The following is an entry in ClinVar:

ClinVar aggregate classification (germline): Uncertain significance. Review status: criteria provided, multiple submitters, no conflicts (2 of 4 stars). 3 submissions from 3 submitters: Uncertain significance (3). Last evaluated 2025-05-13.

Conditions:
DOCK2 deficiency. Also called: Immunodeficiency 40. Identifiers: Orphanet 447737, MedGen C4225328, MONDO:0014637, OMIM 616433.
Inborn genetic diseases. Identifiers: MedGen C0950123, MeSH D030342.

gnomAD v4.1: 8 of 1,612,996 alleles (0.0005%); highest among the groups gnomAD compares: Non-Finnish European, 0.00068%; no homozygotes.

Submissions (3):

Ambry Genetics
Classification: Uncertain significance for Inborn genetic diseases. Last evaluated: 2025-05-13. Review status: criteria provided, single submitter. Criteria: Ambry Variant Classification Scheme 2023. Collection method: clinical testing. Allele origin: germline.

Labcorp Genetics (formerly Invitae), Labcorp
Classification: Uncertain significance for DOCK2 deficiency. Last evaluated: 2021-09-27. Review status: criteria provided, single submitter. Criteria: Invitae Variant Classification Sherloc (09022015). Collection method: clinical testing. Allele origin: germline.
Comment: This sequence change replaces leucine with valine at codon 1152 of the DOCK2 protein (p.Leu1152Val). The leucine residue is moderately conserved and there is a small physicochemical difference between leucine and valine. This variant is not present in population databases (ExAC no frequency). This variant has not been reported in the literature in individuals affected with DOCK2-related conditions. Algorithms developed to predict the effect of missense changes on protein structure and function are either unavailable or do not agree on the potential impact of this missense change (SIFT: "Tolerated"; PolyPhen-2: "Possibly Damaging"; Align-GVGD: "Class C0"). Algorithms developed to predict the effect of sequence changes on RNA splicing suggest that this variant may create or strengthen a splice site. In summary, the available evidence is currently insufficient to determine the role of this variant in disease. Therefore, it has been classified as a Variant of Uncertain Significance.

Blueprint Genetics
Classification: Uncertain significance. Last evaluated: 2018-05-28. Review status: criteria provided, single submitter. Criteria: ACMG Guidelines, 2015. Collection method: clinical testing. Allele origin: germline.

NM_004946.3(DOCK2):c.3454C>G (p.Leu1152Val)

Gene: DOCK2 (dedicator of cytokinesis 2; plus strand). Cytogenetic location: 5q35.1.
Variant type: single nucleotide variant.
Coding change: c.3454C>G on transcript NM_004946.3 (MANE Select); coding-DNA position 3454, C replaced by G.
Protein change: p.Leu1152Val; replaces leucine 1152 with valine.
Molecular consequence: missense variant. On other transcripts: non-coding transcript variant (1).
Genome position (GRCh38, 1-based): chr5:170,027,935, C>G. VCF-style: chr5-170027935-C-G. GRCh37 (hg19) VCF-style: chr5-169454939-C-G.
Other names: c.3454C>G (NM_004946.2); short protein forms L1152V.
Identifiers: ClinVar variation 1446482 (VCV001446482.5), dbSNP rs1270029570, ClinGen allele CA362106400.